The following is an entry in ClinVar:

NC_000001.10:g.(?_197390110)_(197398764_?)del

Gene: CRB1 (crumbs cell polarity complex component 1; plus strand). Cytogenetic location: 1q31.3.
Variant type: Deletion.
Identifiers: ClinVar variation 2427678 (VCV002427678.4).

ClinVar aggregate classification (germline): Pathogenic (1 of 4 stars; one submission).

Conditions:
Retinitis pigmentosa 12 (RP12). Also called: RP WITH OR WITHOUT PRESERVED PARAARTERIOLE RETINAL PIGMENT EPITHELIUM; RETINITIS PIGMENTOSA WITH OR WITHOUT PARAARTERIOLAR PRESERVATION OF RETINAL PIGMENT EPITHELIUM; RP WITH OR WITHOUT PPRPE. Identifiers: Orphanet 791, MedGen C1838647, MONDO:0010818, OMIM 600105.
Leber congenital amaurosis 8 (LCA8). Identifiers: Orphanet 65, MedGen C3151202, MONDO:0013453, OMIM 613835.

Submission:

Labcorp Genetics (formerly Invitae), Labcorp
Classification: Pathogenic for Leber congenital amaurosis 8; Retinitis pigmentosa 12. Last evaluated: 2021-12-18. Review status: criteria provided, single submitter. Criteria: Invitae Variant Classification Sherloc (09022015). Collection method: clinical testing. Allele origin: germline.
Comment: For these reasons, this variant has been classified as Pathogenic. This variant disrupts a region of the CRB1 protein in which other variant(s) (p.Gly477Arg) have been determined to be pathogenic (PMID: 21757580, 24715753, 29200130). This suggests that this is a clinically significant region of the protein, and that variants that disrupt it are likely to be disease-causing. This variant has not been reported in the literature in individuals affected with CRB1-related conditions. This variant is a gross deletion of the genomic region encompassing exon(s) 6-8 of the CRB1 gene. This variant would be expected to be in-frame, preserving the integrity of the reading frame.

Literature cited by the submitters: PubMed 21757580; PubMed 24715753; PubMed 29200130.